The following is an entry in ClinVar:

ClinVar aggregate classification (germline): Likely benign (1 of 4 stars; one submission).

Allele frequency attached by ClinVar (database versions not stated): TOPMed 0.00001; gnomAD 0.00001.
gnomAD v4.1: 5 of 1,606,672 alleles (0.00031%); highest among the groups gnomAD compares: Non-Finnish European, 0.00034%; no homozygotes.

Submission:

GeneDx
Classification: Likely benign. Last evaluated: 2017-10-30. Review status: criteria provided, single submitter. Criteria: GeneDx Variant Classification (06012015). Collection method: clinical testing. Allele origin: germline. Affected: yes.
Comment: This variant is considered likely benign or benign based on one or more of the following criteria: it is a conservative change, it occurs at a poorly conserved position in the protein, it is predicted to be benign by multiple in silico algorithms, and/or has population frequency not consistent with disease.

NM_058195.4(CDKN2A):c.-22C>T

Gene: CDKN2A (cyclin dependent kinase inhibitor 2A; minus strand). Cytogenetic location: 9p21.3.
Variant type: single nucleotide variant.
Coding change: c.-22C>T on transcript NM_058195.4 (MANE Plus Clinical); 22 bases upstream of the start codon, C replaced by T.
Molecular consequence: 5 prime UTR variant. On other transcripts: intron variant (1).
Genome position (GRCh38, 1-based): chr9:21,994,353, G>A on the plus strand (C>T on the coding strand, the complement: CDKN2A is on the minus strand). VCF-style: chr9-21994353-G-A. GRCh37 (hg19) VCF-style: chr9-21994352-G-A.
Other names: c.-4+468C>T (NM_001363763.2).
Identifiers: ClinVar variation 513101 (VCV000513101.3), dbSNP rs1460467871, ClinGen allele CA464100455.
Genomic context (GRCh38, chr9:21,994,353, plus strand): 5'-GCGCCGAATCCGGAGGGTCACCAAGAACCTGCGCACCATGTTCTCGCCGCCTCCAGGGCC[G>A]AGCTCGGCAGCCGCTGCGCCGCCCTTTGGCACCAGAGGTGAGCAGCGCCACTCCTGCCCC-3'